The following is an entry in ClinVar:

NM_001457.4(FLNB):c.852C>T (p.Ala284=)

Gene: FLNB (filamin B; plus strand). Cytogenetic location: 3p14.3.
Variant type: single nucleotide variant.
Coding change: c.852C>T on transcript NM_001457.4 (MANE Select); coding-DNA position 852, C replaced by T.
Protein change: p.Ala284=; no amino-acid change (alanine 284 retained).
Molecular consequence: synonymous variant.
Genome position (GRCh38, 1-based): chr3:58,094,900, C>T. VCF-style: chr3-58094900-C-T. GRCh37 (hg19) VCF-style: chr3-58080627-C-T.
Other names: c.852C>T, p.Ala284= (NM_001164317.2, NM_001164318.2, NM_001164319.2).
Identifiers: ClinVar variation 346304 (VCV000346304.15), dbSNP rs765017696, ClinGen allele CA2467647.

ClinVar aggregate classification (germline): Likely benign. Review status: criteria provided, multiple submitters, no conflicts (2 of 4 stars). 3 submissions from 3 submitters: Likely benign (2). 1 of the submissions does not count toward it. Last evaluated 2025-09-01.

Conditions:
FLNB-related disorder. Also called: FLNB-related condition; FLNB-related disorders. Identifiers: MedGen CN381095.

Allele frequency attached by ClinVar (database versions not stated): TOPMed below 0.00001; gnomAD 0.00001; ExAC 0.00002.
gnomAD v4.1: 11 of 1,613,994 alleles (0.00068%); highest among the groups gnomAD compares: Admixed American, 0.005%; no homozygotes.

Submissions (3):

Labcorp Genetics (formerly Invitae), Labcorp
Classification: Likely benign. Last evaluated: 2025-09-01. Review status: criteria provided, single submitter. Criteria: Invitae Variant Classification Sherloc (09022015). Collection method: clinical testing. Allele origin: germline.

Blueprint Genetics
Classification: Likely benign. Last evaluated: 2024-02-12. Review status: criteria provided, single submitter. Criteria: ACMG Guidelines, 2015. Collection method: clinical testing. Allele origin: germline.

PreventionGenetics, part of Exact Sciences
Classification: Likely benign for FLNB-related condition. Last evaluated: 2019-11-12. Review status: no assertion criteria provided. Collection method: clinical testing. Allele origin: germline. Not counted in ClinVar's aggregate classification.
Comment: This variant is classified as likely benign based on ACMG/AMP sequence variant interpretation guidelines (Richards et al. 2015 PMID: 25741868, with internal and published modifications).